The following is an entry in ClinVar:

NM_003466.4(PAX8):c.700G>A (p.Glu234Lys)

Genes: PAX8-AS1 (PAX8 antisense RNA 1; plus strand), PAX8 (paired box 8; minus strand), LOC126806316 (P300/CBP strongly-dependent group 1 enhancer GRCh37_chr2:113998497-113999696; plus strand). Cytogenetic location: 2q14.1.
Variant type: single nucleotide variant.
Coding change: c.700G>A on transcript NM_003466.4 (MANE Select); coding-DNA position 700, G replaced by A.
Protein change: p.Glu234Lys; replaces glutamic acid 234 with lysine.
Molecular consequence: missense variant.
Genome position (GRCh38, 1-based): chr2:113,241,628, C>T on the plus strand (G>A on the coding strand, the complement: PAX8 is on the minus strand). VCF-style: chr2-113241628-C-T. GRCh37 (hg19) VCF-style: chr2-113999205-C-T.
Other names: c.700G>A, p.Glu234Lys (NM_013952.4, NM_013953.4, NM_013992.4); short protein forms E234K.
Identifiers: ClinVar variation 894420 (VCV000894420.6), dbSNP rs201093713, ClinGen allele CA1840124.

ClinVar aggregate classification (germline): Uncertain significance. Review status: criteria provided, multiple submitters, no conflicts (2 of 4 stars). 3 submissions from 3 submitters: Uncertain significance (3). Last evaluated 2023-02-05.

Conditions:
Hypothyroidism, congenital, nongoitrous, 2 (CHNG2). Also called: Hypothyroidism, congenital, due to thyroid dysgenesis or hypoplasia. Identifiers: Orphanet 95712, MedGen C1869118, MONDO:0024264, OMIM 218700.

Allele frequency attached by ClinVar (database versions not stated): ESP Exome Variant Server 0.00008; gnomAD exomes 0.00024; ExAC 0.00026; TOPMed 0.00030.
gnomAD v4.1: 315 of 1,613,740 alleles (0.02%); highest among the groups gnomAD compares: Non-Finnish European, 0.021%; no homozygotes.

Submissions (3):

Department of Pathology and Laboratory Medicine, Sinai Health System
Classification: Uncertain significance for Hypothyroidism, congenital, nongoitrous, 2. Last evaluated: 2023-02-05. Review status: criteria provided, single submitter. Criteria: ACMG Guidelines, 2015. Collection method: research. Allele origin: germline.

GeneDx
Classification: Uncertain significance. Last evaluated: 2022-11-28. Review status: criteria provided, single submitter. Criteria: GeneDx Variant Classification Process June 2021. Collection method: clinical testing. Allele origin: germline. Affected: yes.
Comment: Identified in an individual with congenital hypothyroidism, respiratory distress, and neurological disorders, however this individual also harbored a variant in the NKX2-1 gene (Hermanns et al., 2018); In silico analysis supports that this missense variant has a deleterious effect on protein structure/function; This variant is associated with the following publications: (PMID: 28954305)

Illumina Laboratory Services, Illumina
Classification: Uncertain significance for Hypothyroidism, congenital, nongoitrous, 2. Last evaluated: 2017-04-27. Review status: criteria provided, single submitter. Criteria: ICSL Variant Classification Criteria 13 December 2019. Collection method: clinical testing. Allele origin: germline.